The following is an entry in ClinVar:

ClinVar aggregate classification (germline): Likely pathogenic (1 of 4 stars; one submission).

Conditions:
Cholestanol storage disease (CTX). Also called: Cerebrotendinous Xanthomatosis; CTX: Cerebrotendinous xanthomatosis; CEREBRAL CHOLESTERINOSIS. Identifiers: Orphanet 909, MedGen C0238052, MONDO:0008948, OMIM 213700.

gnomAD v4.1: 1 of 1,614,232 alleles (0.000062%); highest among the groups gnomAD compares: East Asian, 0.0022%; no homozygotes.

Submission:

Natera, Inc.
Classification: Likely pathogenic for Cerebrotendinous xanthomatosis. Last evaluated: 2024-08-08. Review status: criteria provided, single submitter. Criteria: Natera Variant Classification Schema (03/2026). Collection method: clinical testing. Allele origin: germline.
Comment: The c.1519G>T variant in CYP27A1 is a nonsense variant predicted to introduce a stop codon at amino acid 507. This variant is expected to result in nonsense mediated decay, truncation, or a dysfunctional protein product. This variant is rare in the general population with a frequency below the threshold expected for the associated phenotype(s). Given the available evidence, this variant is classified as Likely Pathogenic.

NM_000784.4(CYP27A1):c.1519G>T (p.Glu507Ter)

Gene: CYP27A1 (cytochrome P450 family 27 subfamily A member 1; plus strand). Cytogenetic location: 2q35.
Variant type: single nucleotide variant.
Coding change: c.1519G>T on transcript NM_000784.4 (MANE Select); coding-DNA position 1519, G replaced by T.
Protein change: p.Glu507Ter; replaces glutamic acid 507 with a stop codon.
Molecular consequence: nonsense.
Genome position (GRCh38, 1-based): chr2:218,814,953, G>T. VCF-style: chr2-218814953-G-T. GRCh37 (hg19) VCF-style: chr2-219679676-G-T.
Other names: short protein forms E507*.
Identifiers: ClinVar variation 4814478 (VCV004814478.1).